The following is an entry in ClinVar:

ClinVar aggregate classification (germline): Uncertain significance (1 of 4 stars; one submission).

Conditions:
Gorlin syndrome. Also called: Nevoid Basal Cell Carcinoma Syndrome; Basal cell nevus syndrome. Identifiers: Orphanet 377, MedGen C0004779, MONDO:0007187.

Allele frequency attached by ClinVar (database versions not stated): ExAC 0.00002.
gnomAD v4.1: 12 of 1,614,066 alleles (0.00074%); highest among the groups gnomAD compares: Middle Eastern, 0.033%; no homozygotes.

Submission:

Labcorp Genetics (formerly Invitae), Labcorp
Classification: Uncertain significance for Gorlin syndrome. Last evaluated: 2023-02-24. Review status: criteria provided, single submitter. Criteria: Invitae Variant Classification Sherloc (09022015). Collection method: clinical testing. Allele origin: germline.
Comment: In summary, the available evidence is currently insufficient to determine the role of this variant in disease. Therefore, it has been classified as a Variant of Uncertain Significance. Advanced modeling of protein sequence and biophysical properties (such as structural, functional, and spatial information, amino acid conservation, physicochemical variation, residue mobility, and thermodynamic stability) performed at Invitae indicates that this missense variant is not expected to disrupt PTCH2 protein function. This variant has not been reported in the literature in individuals affected with PTCH2-related conditions. This variant is present in population databases (rs750219632, gnomAD 0.002%). This sequence change replaces alanine, which is neutral and non-polar, with threonine, which is neutral and polar, at codon 119 of the PTCH2 protein (p.Ala119Thr).

NM_003738.5(PTCH2):c.355G>A (p.Ala119Thr)

Gene: PTCH2 (patched 2; minus strand). Cytogenetic location: 1p34.1.
Variant type: single nucleotide variant.
Coding change: c.355G>A on transcript NM_003738.5 (MANE Select); coding-DNA position 355, G replaced by A.
Protein change: p.Ala119Thr; replaces alanine 119 with threonine.
Molecular consequence: missense variant.
Genome position (GRCh38, 1-based): chr1:44,832,252, C>T on the plus strand (G>A on the coding strand, the complement: PTCH2 is on the minus strand). VCF-style: chr1-44832252-C-T. GRCh37 (hg19) VCF-style: chr1-45297924-C-T.
Other names: c.355G>A, p.Ala119Thr (NM_001166292.2); short protein forms A119T.
Identifiers: ClinVar variation 2878608 (VCV002878608.3), dbSNP rs750219632, ClinGen allele CA823660.